The following is an entry in ClinVar:

NM_001145809.2(MYH14):c.4894A>G (p.Thr1632Ala)

Gene: MYH14 (myosin heavy chain 14; plus strand). Cytogenetic location: 19q13.33.
Variant type: single nucleotide variant.
Coding change: c.4894A>G on transcript NM_001145809.2 (MANE Select); coding-DNA position 4894, A replaced by G.
Protein change: p.Thr1632Ala; replaces threonine 1632 with alanine.
Molecular consequence: missense variant.
Genome position (GRCh38, 1-based): chr19:50,289,577, A>G. VCF-style: chr19-50289577-A-G. GRCh37 (hg19) VCF-style: chr19-50792834-A-G.
Other names: c.4795A>G, p.Thr1599Ala (NM_001077186.2); c.4771A>G, p.Thr1591Ala (NM_024729.4); short protein forms T1591A, T1599A, T1632A.
Identifiers: ClinVar variation 4072697 (VCV004072697.1).
Genomic context (GRCh38, chr19:50,289,577, plus strand): 5'-GAGCTGACAGCGGCCGAGGATGCCAAGCTGCGTCTGGAGGTGACTGTGCAGGCTCTCAAG[A>G]CTCAGCATGAGCGTGACCTGCAGGGCCGTGATGAGGCTGGTGAAGAGAGGCGGAGGCAGC-3'
Protein context (NP_001139281.1, residues 1622-1642): RLEVTVQALK[Thr1632Ala]QHERDLQGRD

ClinVar aggregate classification (germline): Uncertain significance (1 of 4 stars; one submission).

Submission:

GeneDx
Classification: Uncertain significance. Last evaluated: 2025-02-03. Review status: criteria provided, single submitter. Criteria: GeneDx Variant Classification Process June 2021. Collection method: clinical testing. Allele origin: germline. Affected: yes.
Comment: Not observed at significant frequency in large population cohorts (gnomAD); In silico analysis indicates that this missense variant does not alter protein structure/function; Has not been previously published as pathogenic or benign to our knowledge